The following is an entry in ClinVar:

NM_000256.3(MYBPC3):c.109G>T (p.Gly37Ter)

Gene: MYBPC3 (myosin binding protein C3; minus strand). Cytogenetic location: 11p11.2.
Variant type: single nucleotide variant.
Coding change: c.109G>T on transcript NM_000256.3 (MANE Select); coding-DNA position 109, G replaced by T.
Protein change: p.Gly37Ter; replaces glycine 37 with a stop codon.
Molecular consequence: nonsense.
Genome position (GRCh38, 1-based): chr11:47,351,422, C>A on the plus strand (G>T on the coding strand, the complement: MYBPC3 is on the minus strand). VCF-style: chr11-47351422-C-A. GRCh37 (hg19) VCF-style: chr11-47372973-C-A.
Other names: short protein forms G37*.
Identifiers: ClinVar variation 3382080 (VCV003382080.3).

ClinVar aggregate classification (germline): Likely pathogenic (1 of 4 stars; one submission).

Conditions:
Hypertrophic cardiomyopathy 4. Also called: Familial hypertrophic cardiomyopathy 4. Identifiers: MedGen C1861862, MONDO:0007268, OMIM 115197.

Submission:

Juno Genomics, Hangzhou Juno Genomics, Inc
Classification: Likely pathogenic for Hypertrophic cardiomyopathy 4. Review status: criteria provided, single submitter. Criteria: ACMG Guidelines, 2015. Collection method: clinical testing. Allele origin: germline.
Comment: Null variant in a gene where loss of function (LOF) is a known mechanism of disease.;Absent from controls (or at extremely low frequency if recessive) in Genome Aggregation Database.